The following is an entry in ClinVar:

ClinVar aggregate classification (germline): Uncertain significance. Review status: criteria provided, multiple submitters, no conflicts (2 of 4 stars). 2 submissions from 2 submitters: Uncertain significance (2). Last evaluated 2023-07-19.

Conditions:
Fetal akinesia deformation sequence 1 (FADS1). Also called: Pena-Shokeir syndrome type I; Fetal akinesia sequence. Identifiers: Orphanet 994, MedGen C1276035, MONDO:0100101, OMIM 208150, HP:0001989.
Congenital myasthenic syndrome 11. Also called: MYASTHENIC SYNDROME, CONGENITAL, Ie; Myasthenic syndrome, congenital, 11, associated with acetylcholine receptor deficiency. Identifiers: Orphanet 590, MedGen C4225367, MONDO:0014588, OMIM 616326.
Inborn genetic diseases. Identifiers: MedGen C0950123, MeSH D030342.

Allele frequency attached by ClinVar (database versions not stated): gnomAD exomes 0.00001.
gnomAD v4.1: 12 of 1,609,702 alleles (0.00075%); highest among the groups gnomAD compares: East Asian, 0.027%; no homozygotes.

Submissions (2):

Ambry Genetics
Classification: Uncertain significance for Inborn genetic diseases. Last evaluated: 2023-07-19. Review status: criteria provided, single submitter. Criteria: Ambry Variant Classification Scheme 2023. Collection method: clinical testing. Allele origin: germline.

Labcorp Genetics (formerly Invitae), Labcorp
Classification: Uncertain significance for Congenital myasthenic syndrome 11; Fetal akinesia deformation sequence 1. Last evaluated: 2021-08-28. Review status: criteria provided, single submitter. Criteria: Invitae Variant Classification Sherloc (09022015). Collection method: clinical testing. Allele origin: germline.
Comment: This sequence change replaces glutamic acid with lysine at codon 278 of the RAPSN protein (p.Glu278Lys). The glutamic acid residue is highly conserved and there is a small physicochemical difference between glutamic acid and lysine. This variant is not present in population databases (ExAC no frequency). This variant has not been reported in the literature in individuals affected with RAPSN-related conditions. Algorithms developed to predict the effect of missense changes on protein structure and function are either unavailable or do not agree on the potential impact of this missense change (SIFT: "Deleterious"; PolyPhen-2: "Probably Damaging"; Align-GVGD: "Class C0"). In summary, the available evidence is currently insufficient to determine the role of this variant in disease. Therefore, it has been classified as a Variant of Uncertain Significance.

NM_005055.5(RAPSN):c.832G>A (p.Glu278Lys)

Gene: RAPSN (receptor associated protein of the synapse; minus strand). Cytogenetic location: 11p11.2.
Variant type: single nucleotide variant.
Coding change: c.832G>A on transcript NM_005055.5 (MANE Select); coding-DNA position 832, G replaced by A.
Protein change: p.Glu278Lys; replaces glutamic acid 278 with lysine.
Molecular consequence: missense variant. On other transcripts: intron variant (1).
Genome position (GRCh38, 1-based): chr11:47,441,691, C>T on the plus strand (G>A on the coding strand, the complement: RAPSN is on the minus strand). VCF-style: chr11-47441691-C-T. GRCh37 (hg19) VCF-style: chr11-47463243-C-T.
Other names: c.832G>A (NM_005055.4); c.789+132G>A (NM_032645.5); short protein forms E278K.
Identifiers: ClinVar variation 1519118 (VCV001519118.7), dbSNP rs1418635230, ClinGen allele CA380329559.